The following is an entry in ClinVar:

NM_001379150.1(IRS4):c.119C>A (p.Pro40Gln)

Gene: IRS4 (insulin receptor substrate 4; minus strand). Cytogenetic location: Xq22.3.
Variant type: single nucleotide variant.
Coding change: c.119C>A on transcript NM_001379150.1 (MANE Select); coding-DNA position 119, C replaced by A.
Protein change: p.Pro40Gln; replaces proline 40 with glutamine.
Molecular consequence: missense variant.
Genome position (GRCh38, 1-based): chrX:108,736,226, G>T on the plus strand (C>A on the coding strand, the complement: IRS4 is on the minus strand). VCF-style: chrX-108736226-G-T. GRCh37 (hg19) VCF-style: chrX-107979456-G-T.
Other names: c.119C>A, p.Pro40Gln (NM_003604.2); short protein forms P40Q.
Identifiers: ClinVar variation 2661176 (VCV002661176.24), dbSNP rs200726285, ClinGen allele CA10489951.

ClinVar aggregate classification (germline): Likely benign (1 of 4 stars; one submission).

Allele frequency attached by ClinVar (database versions not stated): ExAC 0.00002.

Submission:

CeGaT Center for Human Genetics Tuebingen
Classification: Likely benign. Last evaluated: 2023-04-01. Review status: criteria provided, single submitter. Criteria: CeGaT Center For Human Genetics Tuebingen Variant Classification Criteria Version 2. Collection method: clinical testing. Allele origin: germline. Affected: yes. Observed: 1 variant allele.
Comment: IRS4: BS2; IRS4-AS1: BS2